The following is an entry in ClinVar:

ClinVar aggregate classification (germline): Pathogenic. Review status: criteria provided, single submitter (1 of 4 stars). 2 submissions from 2 submitters: Pathogenic (1). 1 of the submissions does not count toward it. Last evaluated 2024-10-14.

Conditions:
Pyruvate dehydrogenase E1-alpha deficiency (PDHAD). Also called: ATAXIA, INTERMITTENT, WITH PYRUVATE DEHYDROGENASE DEFICIENCY; ATAXIA WITH LACTIC ACIDOSIS I; ATAXIA, INTERMITTENT, WITH ABNORMAL PYRUVATE METABOLISM; Ataxia, intermittent, with pyruvate dehydrogenase, or decarboxylase, deficiency. Identifiers: Orphanet 79243, MedGen C1839413, MONDO:0010717, OMIM 312170.

Submissions (2):

GeneDx
Classification: Pathogenic. Last evaluated: 2024-10-14. Review status: criteria provided, single submitter. Criteria: GeneDx Variant Classification Process June 2021. Collection method: clinical testing. Allele origin: germline. Affected: yes.
Comment: In silico analysis supports that this missense variant has a deleterious effect on protein structure/function; Not observed at significant frequency in large population cohorts (gnomAD); This variant is associated with the following publications: (PMID: 37422902, 15384102, 8535453)

PDHA1 Study Group, University Children’s Hospital, Paracelsus Medical University
Classification: Pathogenic for Pyruvate dehydrogenase E1-alpha deficiency. Last evaluated: 2024-10-15. Review status: no assertion criteria provided. Collection method: research. Allele origin: germline. Affected: yes. Observed: 5 variant alleles. Not counted in ClinVar's aggregate classification.
Comment: The NM_000284.3:c.947C>T (p.Pro316Leu) substitution is a missense variant in PDHA1 gene. In total, 5 individuals were diagnosed with PDHA1-related Pyruvate dehydrogenase complex (PDHc) deficiency (MIM #312170). These include 1 male and 4 females. The variant has been reported in 4 published cases (PMIDs: 8535453, 15384102, 33629572, 24718837). Last literature search: July 12, 2024. This variant is absent or extremely rare in population-based cohorts in the Genome Aggregation Database (gnomAD). Individuals harboring this variant presented with clinical features compatible with PDHA1-related PDHc deficiency. In summary, this variant meets criteria to be classified as pathogenic (P) for PDHA1-related PDHc deficiency based on the ACMG/AMP criteria applied: PS3, PM1, PM2, PM7, PP3 (last assessment October 15, 2024).

Literature cited by the submitters: PubMed 8535453 (cited by PDHA1 Study Group, University Children’s Hospital, Paracelsus Medical University); PubMed 15384102 (cited by PDHA1 Study Group, University Children’s Hospital, Paracelsus Medical University); PubMed 33629572 (cited by PDHA1 Study Group, University Children’s Hospital, Paracelsus Medical University); PubMed 24718837 (cited by PDHA1 Study Group, University Children’s Hospital, Paracelsus Medical University); DOI 10.1093/brain/awaf430 (cited by PDHA1 Study Group, University Children’s Hospital, Paracelsus Medical University).

NM_000284.4(PDHA1):c.947C>T (p.Pro316Leu)

Gene: PDHA1 (pyruvate dehydrogenase E1 subunit alpha 1; plus strand). Cytogenetic location: Xp22.12.
Variant type: single nucleotide variant.
Coding change: c.947C>T on transcript NM_000284.4 (MANE Select); coding-DNA position 947, C replaced by T.
Protein change: p.Pro316Leu; replaces proline 316 with leucine.
Molecular consequence: missense variant.
Genome position (GRCh38, 1-based): chrX:19,358,963, C>T. VCF-style: chrX-19358963-C-T. GRCh37 (hg19) VCF-style: chrX-19377081-C-T.
Other names: c.854C>T, p.Pro285Leu (NM_001173456.2); c.1061C>T, p.Pro354Leu (NM_001173454.2); c.968C>T, p.Pro323Leu (NM_001173455.2); short protein forms P285L, P316L, P323L, P354L.
Identifiers: ClinVar variation 3777627 (VCV003777627.2).
Genomic context (GRCh38, chrX:19,358,963, plus strand): 5'-TCCCTCCCCATAGTTACCGTACACGAGAAGAAATTCAGGAAGTAAGAAGTAAGAGTGACC[C>T]TATTATGCTTCTCAAGGACAGGATGGTGAACAGCAATCTTGCCAGTGTGGAAGAACTAAA-3'
Protein context (NP_000275.1, residues 306-326): EIQEVRSKSD[Pro316Leu]IMLLKDRMVN